The following is an entry in ClinVar:

ClinVar aggregate classification (germline): Likely benign (0 of 4 stars; one submission).

Conditions:
RET-related disorder. Also called: RET-related disorders; RET-related condition; RET-related disease.

Allele frequency attached by ClinVar (database versions not stated): TOPMed 0.00002; gnomAD 0.00003; ExAC 0.00010.

Submission:

PreventionGenetics, part of Exact Sciences
Classification: Likely benign for RET-related condition. Last evaluated: 2021-12-02. Review status: no assertion criteria provided. Collection method: clinical testing. Allele origin: germline.
Comment: This variant is classified as likely benign based on ACMG/AMP sequence variant interpretation guidelines (Richards et al. 2015 PMID: 25741868, with internal and published modifications).

NM_020975.6(RET):c.1522+30G>A

Gene: RET (ret proto-oncogene; plus strand). Cytogenetic location: 10q11.21.
Variant type: single nucleotide variant.
Coding change: c.1522+30G>A on transcript NM_020975.6 (MANE Select); 30 bases into the intron after coding-DNA position 1522, G replaced by A.
Molecular consequence: intron variant.
Genome position (GRCh38, 1-based): chr10:43,111,495, G>A. VCF-style: chr10-43111495-G-A. GRCh37 (hg19) VCF-style: chr10-43606943-G-A.
Other names: c.1522+30G>A (NM_020630.7, NM_001406743.1, NM_001406744.1 and 4 more transcripts); c.1126+30G>A (NM_001406772.1, NM_001406769.1); c.1084+30G>A (NM_001406773.1, NM_001406771.1); c.626-604G>A (NM_001406782.1, NM_001406780.1, NM_001406779.1 and 3 more transcripts); c.1393+30G>A (NM_001406764.1, NM_001406762.1, NM_001406761.1 and 1 more transcripts); c.997+30G>A (NM_001406774.1); c.497-604G>A (NM_001406786.1, NM_001406783.1); c.1234+30G>A (NM_001406770.1, NM_001406766.1, NM_001406767.1); and 5 more.
Identifiers: ClinVar variation 3045447 (VCV003045447.2), dbSNP rs765269519, ClinGen allele CA034067.
Genomic context (GRCh38, chr10:43,111,495, plus strand): 5'-GCCCAGCTGCTTGTAACAGTGGAGGGGTCATGTGAGTGCCTGCTCCAGGGAGGGAGGGTC[G>A]GGGTCCTGGGGGCTTCTGGAGCCTGGGCCTCCTGCCCTTTGAGAAAAGCAGTACAGCTGC-3'